The following is an entry in ClinVar:

ClinVar aggregate classification (germline): Uncertain significance (1 of 4 stars; one submission).

Conditions:
Inborn genetic diseases. Identifiers: MedGen C0950123, MeSH D030342.

Allele frequency attached by ClinVar (database versions not stated): TOPMed below 0.00001; gnomAD 0.00001.

Submission:

Ambry Genetics
Classification: Uncertain significance for Inborn genetic diseases. Last evaluated: 2024-01-28. Review status: criteria provided, single submitter. Criteria: Ambry Variant Classification Scheme 2023. Collection method: clinical testing. Allele origin: germline.
Comment: The p.F260L variant (also known as c.778T>C), located in coding exon 8 of the MDH2 gene, results from a T to C substitution at nucleotide position 778. The phenylalanine at codon 260 is replaced by leucine, an amino acid with highly similar properties. This amino acid position is conserved. In addition, the in silico prediction for this alteration is inconclusive. Since supporting evidence is limited at this time, the clinical significance of this alteration remains unclear.

NM_005918.4(MDH2):c.778T>C (p.Phe260Leu)

Gene: MDH2 (malate dehydrogenase 2; plus strand). Cytogenetic location: 7q11.23.
Variant type: single nucleotide variant.
Coding change: c.778T>C on transcript NM_005918.4 (MANE Select); coding-DNA position 778, T replaced by C.
Protein change: p.Phe260Leu; replaces phenylalanine 260 with leucine.
Molecular consequence: missense variant.
Genome position (GRCh38, 1-based): chr7:76,064,846, T>C. VCF-style: chr7-76064846-T-C. GRCh37 (hg19) VCF-style: chr7-75694164-T-C.
Other names: c.652T>C, p.Phe218Leu (NM_001282403.2); c.457T>C, p.Phe153Leu (NM_001282404.2); short protein forms F218L, F153L, F260L.
Identifiers: ClinVar variation 1760640 (VCV001760640.2), dbSNP rs1554587594, ClinGen allele CA367768180.